The following is an entry in ClinVar:

NM_020937.4(FANCM):c.3206T>C (p.Ile1069Thr)

Gene: FANCM (FA complementation group M; plus strand). Cytogenetic location: 14q21.2.
Variant type: single nucleotide variant.
Coding change: c.3206T>C on transcript NM_020937.4 (MANE Select); coding-DNA position 3206, T replaced by C.
Protein change: p.Ile1069Thr; replaces isoleucine 1069 with threonine.
Molecular consequence: missense variant.
Genome position (GRCh38, 1-based): chr14:45,175,960, T>C. VCF-style: chr14-45175960-T-C. GRCh37 (hg19) VCF-style: chr14-45645163-T-C.
Other names: c.3128T>C, p.Ile1043Thr (NM_001308133.2); short protein forms I1069T, I1043T.
Identifiers: ClinVar variation 2791673 (VCV002791673.3), dbSNP rs1397823483, ClinGen allele CA389600307.

ClinVar aggregate classification (germline): Uncertain significance (1 of 4 stars; one submission).

Conditions:
Fanconi anemia (FA). Also called: Fanconi's anemia. Identifiers: Orphanet 84, MedGen C0015625, MeSH D005199, MONDO:0019391.

Allele frequency attached by ClinVar (database versions not stated): gnomAD exomes below 0.00001; gnomAD 0.00001; TOPMed 0.00001.
gnomAD v4.1: 5 of 1,613,308 alleles (0.00031%); highest among the groups gnomAD compares: Middle Eastern, 0.016%; no homozygotes.

Submission:

Labcorp Genetics (formerly Invitae), Labcorp
Classification: Uncertain significance for Fanconi anemia. Last evaluated: 2023-10-04. Review status: criteria provided, single submitter. Criteria: Invitae Variant Classification Sherloc (09022015). Collection method: clinical testing. Allele origin: germline.
Comment: This sequence change replaces isoleucine, which is neutral and non-polar, with threonine, which is neutral and polar, at codon 1069 of the FANCM protein (p.Ile1069Thr). This variant is not present in population databases (gnomAD no frequency). This variant has not been reported in the literature in individuals affected with FANCM-related conditions. Algorithms developed to predict the effect of missense changes on protein structure and function output the following: SIFT: "Not Available"; PolyPhen-2: "Benign"; Align-GVGD: "Not Available". The threonine amino acid residue is found in multiple mammalian species, which suggests that this missense change does not adversely affect protein function. In summary, the available evidence is currently insufficient to determine the role of this variant in disease. Therefore, it has been classified as a Variant of Uncertain Significance.